The following is an entry in ClinVar:

ClinVar aggregate classification (germline): Uncertain significance (1 of 4 stars; one submission).

Conditions:
Inborn genetic diseases. Identifiers: MedGen C0950123, MeSH D030342.

Submission:

Ambry Genetics
Classification: Uncertain significance for Inborn genetic diseases. Last evaluated: 2025-09-07. Review status: criteria provided, single submitter. Criteria: Ambry Variant Classification Scheme 2023. Collection method: clinical testing. Allele origin: germline.
Comment: The p.I705M variant (also known as c.2115T>G), located in coding exon 17 of the DNMT3A gene, results from a T to G substitution at nucleotide position 2115. The isoleucine at codon 705 is replaced by methionine, an amino acid with highly similar properties. This amino acid position is conserved. In addition, the in silico prediction for this alteration is inconclusive. Based on the available evidence, the clinical significance of this variant remains unclear.

NM_022552.5(DNMT3A):c.2115T>G (p.Ile705Met)

Gene: DNMT3A (DNA methyltransferase 3 alpha; minus strand). Cytogenetic location: 2p23.3.
Variant type: single nucleotide variant.
Coding change: c.2115T>G on transcript NM_022552.5 (MANE Select); coding-DNA position 2115, T replaced by G.
Protein change: p.Ile705Met; replaces isoleucine 705 with methionine.
Molecular consequence: missense variant. On other transcripts: non-coding transcript variant (1).
Genome position (GRCh38, 1-based): chr2:25,240,698, A>C on the plus strand (T>G on the coding strand, the complement: DNMT3A is on the minus strand). VCF-style: chr2-25240698-A-C. GRCh37 (hg19) VCF-style: chr2-25463567-A-C.
Other names: c.1548T>G, p.Ile516Met (NM_153759.3); c.2115T>G, p.Ile705Met (NM_175629.2); c.1659T>G, p.Ile553Met (NM_001320893.1); c.1446T>G, p.Ile482Met (NM_001375819.1); short protein forms I482M, I516M, I705M, I553M.
Identifiers: ClinVar variation 4243631 (VCV004243631.1).